The following is an entry in ClinVar:

ClinVar aggregate classification (germline): Pathogenic/Likely pathogenic. Review status: criteria provided, multiple submitters, no conflicts (2 of 4 stars). 4 submissions from 4 submitters: Pathogenic (2); Likely pathogenic (1). 1 of the submissions does not count toward it. Last evaluated 2025-07-23.

Conditions:
Tay-Sachs disease (TSD). Also called: GM2 gangliosidosis, type 1; Hexosaminidase alpha-subunit deficiency (variant B); Sphingolipidosis, Tay-Sachs; HEXA DEFICIENCY; Hexosaminidase A Deficiency; HEXA Disorders. Identifiers: Orphanet 845, MedGen C0039373, MONDO:0010100, OMIM 272800.

Allele frequency attached by ClinVar (database versions not stated): gnomAD exomes below 0.00001; TOPMed 0.00001.

Submissions (4):

Natera, Inc.
Classification: Pathogenic for Tay-Sachs disease. Last evaluated: 2025-07-23. Review status: criteria provided, single submitter. Criteria: Natera Variant Classification Schema (03/2026). Collection method: clinical testing. Allele origin: germline.
Comment: The c.1A>C variant in HEXA is predicted to result in start loss due to disruption of the initiator methionine. This variant is expected to result in nonsense mediated decay, truncation, or a dysfunctional protein product. This variant is rare in the general population with a frequency below the threshold expected for the associated phenotype(s). This variant has been observed in one or more individuals affected with the associated recessive disease, as either homozygous or compound heterozygous with a second variant (PMID: 37645600). Given the available evidence, this variant is classified as Pathogenic.

Labcorp Genetics (formerly Invitae), Labcorp
Classification: Pathogenic for Tay-Sachs disease. Last evaluated: 2023-12-14. Review status: criteria provided, single submitter. Criteria: Invitae Variant Classification Sherloc (09022015). Collection method: clinical testing. Allele origin: germline.
Comment: This sequence change affects the initiator methionine of the HEXA mRNA. The next in-frame methionine is located at codon 193. This variant is present in population databases (rs121907965, gnomAD 0.0009%). Disruption of the initiator codon has been observed in individual(s) with Tay-Sachs disease (PMID: 9153525; Invitae). In at least one individual the data is consistent with being in trans (on the opposite chromosome) from a pathogenic variant. ClinVar contains an entry for this variant (Variation ID: 619221). This variant disrupts the c.1A nucleotide in the HEXA gene. Other variant(s) that disrupt this nucleotide have been determined to be pathogenic (PMID: 1532289, 21796138). This suggests that this nucleotide is clinically significant, and that variants that disrupt this position are likely to be disease-causing. For these reasons, this variant has been classified as Pathogenic.

Juno Genomics, Hangzhou Juno Genomics, Inc
Classification: Likely pathogenic for Tay-Sachs disease. Review status: criteria provided, single submitter. Criteria: ACMG Guidelines, 2015. Collection method: clinical testing. Allele origin: germline.
Comment: Absent from controls (or at extremely low frequency if recessive) in Genome Aggregation Database.;Null variant in a gene where loss of function (LOF) is a known mechanism of disease.;For recessive disorders, detected in trans with a pathogenic variant.;Patient's phenotype or family history is highly specific for a disease with a single genetic etiology.

Sema4
Classification: Likely pathogenic for Tay-Sachs disease. Last evaluated: 2018-10-26. Review status: no assertion criteria provided. Collection method: clinical testing. Allele origin: unknown. Not counted in ClinVar's aggregate classification.

Literature cited by the submitters: PubMed 37645600 (cited by Natera, Inc.); PubMed 9153525 (cited by Labcorp Genetics (formerly Invitae), Labcorp); PubMed 1532289 (cited by Labcorp Genetics (formerly Invitae), Labcorp); PubMed 21796138 (cited by Labcorp Genetics (formerly Invitae), Labcorp).

NM_000520.6(HEXA):c.1A>C (p.Met1Leu)

Gene: HEXA (hexosaminidase subunit alpha; minus strand). Cytogenetic location: 15q23.
Variant type: single nucleotide variant.
Coding change: c.1A>C on transcript NM_000520.6 (MANE Select); coding-DNA position 1, A replaced by C.
Protein change: p.Met1Leu; changes the start codon (methionine 1).
Molecular consequence: missense variant, initiator codon variant. On other transcripts: non-coding transcript variant (1).
Genome position (GRCh38, 1-based): chr15:72,375,972, T>G on the plus strand (A>C on the coding strand, the complement: HEXA is on the minus strand). VCF-style: chr15-72375972-T-G. GRCh37 (hg19) VCF-style: chr15-72668313-T-G.
Other names: c.1A>C, p.Met1Leu (NM_001318825.2); c.1A>C (NM_000520.5); short protein forms M1L.
Identifiers: ClinVar variation 619221 (VCV000619221.15), dbSNP rs121907965, ClinGen allele CA7645135.